The following is an entry in ClinVar:

NM_001303256.3(MORC2):c.2684A>G (p.Glu895Gly)

Gene: MORC2 (MORC family CW-type zinc finger 2; minus strand). Cytogenetic location: 22q12.2.
Variant type: single nucleotide variant.
Coding change: c.2684A>G on transcript NM_001303256.3 (MANE Select); coding-DNA position 2684, A replaced by G.
Protein change: p.Glu895Gly; replaces glutamic acid 895 with glycine.
Molecular consequence: missense variant.
Genome position (GRCh38, 1-based): chr22:30,932,608, T>C on the plus strand (A>G on the coding strand, the complement: MORC2 is on the minus strand). VCF-style: chr22-30932608-T-C. GRCh37 (hg19) VCF-style: chr22-31328595-T-C.
Other names: c.2684A>G, p.Glu895Gly (NM_001303257.2); c.2498A>G, p.Glu833Gly (NM_014941.3); short protein forms E833G, E895G.
Identifiers: ClinVar variation 1721154 (VCV001721154.6), dbSNP rs2517569484, ClinGen allele CA411231813.

ClinVar aggregate classification (germline): Uncertain significance (1 of 4 stars; one submission).

Conditions:
Charcot-Marie-Tooth disease axonal type 2Z. Also called: CHARCOT-MARIE-TOOTH DISEASE, AXONAL, AUTOSOMAL DOMINANT, TYPE 2Z; CHARCOT-MARIE-TOOTH NEUROPATHY, TYPE 2Z. Identifiers: Orphanet 466768, MedGen C5569025, MONDO:0014736, OMIM 616688.

Allele frequency attached by ClinVar (database versions not stated): gnomAD exomes below 0.00001.
gnomAD v4.1: 4 of 1,614,126 alleles (0.00025%); highest among the groups gnomAD compares: Non-Finnish European, 0.00034%; no homozygotes.

Submission:

Labcorp Genetics (formerly Invitae), Labcorp
Classification: Uncertain significance for Charcot-Marie-Tooth disease axonal type 2Z. Last evaluated: 2022-10-07. Review status: criteria provided, single submitter. Criteria: Invitae Variant Classification Sherloc (09022015). Collection method: clinical testing. Allele origin: germline.
Comment: Advanced modeling of protein sequence and biophysical properties (such as structural, functional, and spatial information, amino acid conservation, physicochemical variation, residue mobility, and thermodynamic stability) has been performed at Invitae for this missense variant, however the output from this modeling did not meet the statistical confidence thresholds required to predict the impact of this variant on MORC2 protein function. This sequence change replaces glutamic acid, which is acidic and polar, with glycine, which is neutral and non-polar, at codon 895 of the MORC2 protein (p.Glu895Gly). This variant is not present in population databases (gnomAD no frequency). This variant has not been reported in the literature in individuals affected with MORC2-related conditions. In summary, the available evidence is currently insufficient to determine the role of this variant in disease. Therefore, it has been classified as a Variant of Uncertain Significance.